The following is an entry in ClinVar:

ClinVar aggregate classification (germline): Uncertain significance. Review status: criteria provided, single submitter (1 of 4 stars). 2 submissions from 2 submitters: Uncertain significance (1). 1 of the submissions does not count toward it. Last evaluated 2025-04-03.

Conditions:
PLXNA3-related disorder. Also called: PLXNA3-related condition.

gnomAD v4.1: 11 of 1,210,465 alleles (0.00091%); highest among the groups gnomAD compares: South Asian, 0.0018%; no homozygotes.

Submissions (2):

Ambry Genetics
Classification: Uncertain significance. Last evaluated: 2025-04-03. Review status: criteria provided, single submitter. Criteria: Ambry Variant Classification Scheme 2023. Collection method: clinical testing. Allele origin: germline.

PreventionGenetics, part of Exact Sciences
Classification: Uncertain significance for PLXNA3-related condition. Last evaluated: 2024-07-22. Review status: no assertion criteria provided. Collection method: clinical testing. Allele origin: germline. Not counted in ClinVar's aggregate classification.
Comment: The PLXNA3 c.5477C>T variant is predicted to result in the amino acid substitution p.Ala1826Val. To our knowledge, this variant has not been reported in the literature. This variant is reported in 0.0012% of alleles in individuals of European (Non-Finnish) descent in gnomAD. At this time, the clinical significance of this variant is uncertain due to the absence of conclusive functional and genetic evidence.

NM_017514.5(PLXNA3):c.5477C>T (p.Ala1826Val)

Gene: PLXNA3 (plexin A3; plus strand). Cytogenetic location: Xq28.
Variant type: single nucleotide variant.
Coding change: c.5477C>T on transcript NM_017514.5 (MANE Select); coding-DNA position 5477, C replaced by T.
Protein change: p.Ala1826Val; replaces alanine 1826 with valine.
Molecular consequence: missense variant.
Genome position (GRCh38, 1-based): chrX:154,471,595, C>T. VCF-style: chrX-154471595-C-T. GRCh37 (hg19) VCF-style: chrX-153699938-C-T.
Other names: c.5477C>T (NM_017514.3); short protein forms A1826V.
Identifiers: ClinVar variation 3353386 (VCV003353386.2).